The following is an entry in ClinVar:

NM_006214.4(PHYH):c.497-3C>T

Gene: PHYH (phytanoyl-CoA 2-hydroxylase; minus strand). Cytogenetic location: 10p13.
Variant type: single nucleotide variant.
Coding change: c.497-3C>T on transcript NM_006214.4 (MANE Select); 3 bases into the intron before coding-DNA position 497, C replaced by T.
Molecular consequence: intron variant.
Genome position (GRCh38, 1-based): chr10:13,288,544, G>A on the plus strand (C>T on the coding strand, the complement: PHYH is on the minus strand). VCF-style: chr10-13288544-G-A. GRCh37 (hg19) VCF-style: chr10-13330544-G-A.
Other names: c.415-4705C>T (NM_001323083.2); c.503-3C>T (NM_001323082.2); c.197-3C>T (NM_001037537.2, NM_001323080.2); c.203-3C>T (NM_001323084.2).
Identifiers: ClinVar variation 1962363 (VCV001962363.5), dbSNP rs750706743, ClinGen allele CA5412332.

ClinVar aggregate classification (germline): Uncertain significance (1 of 4 stars; one submission).

Allele frequency attached by ClinVar (database versions not stated): ExAC 0.00001; gnomAD exomes 0.00001.
gnomAD v4.1: 19 of 1,613,880 alleles (0.0012%); highest among the groups gnomAD compares: Non-Finnish European, 0.0016%; no homozygotes.

Submission:

Labcorp Genetics (formerly Invitae), Labcorp
Classification: Uncertain significance. Last evaluated: 2022-04-04. Review status: criteria provided, single submitter. Criteria: Invitae Variant Classification Sherloc (09022015). Collection method: clinical testing. Allele origin: germline.
Comment: This sequence change falls in intron 5 of the PHYH gene. It does not directly change the encoded amino acid sequence of the PHYH protein. It affects a nucleotide within the consensus splice site. This variant is present in population databases (rs750706743, gnomAD 0.002%). This variant has not been reported in the literature in individuals affected with PHYH-related conditions. Variants that disrupt the consensus splice site are a relatively common cause of aberrant splicing (PMID: 17576681, 9536098). Algorithms developed to predict the effect of sequence changes on RNA splicing suggest that this variant is not likely to affect RNA splicing. In summary, the available evidence is currently insufficient to determine the role of this variant in disease. Therefore, it has been classified as a Variant of Uncertain Significance.

Literature cited by the submitters: PubMed 17576681; PubMed 9536098.